The following is an entry in ClinVar:

NM_025114.4(CEP290):c.7088A>T (p.Glu2363Val)

Gene: CEP290 (centrosomal protein 290; minus strand). Cytogenetic location: 12q21.32.
Variant type: single nucleotide variant.
Coding change: c.7088A>T on transcript NM_025114.4 (MANE Select); coding-DNA position 7088, A replaced by T.
Protein change: p.Glu2363Val; replaces glutamic acid 2363 with valine.
Molecular consequence: missense variant.
Genome position (GRCh38, 1-based): chr12:88,053,693, T>A on the plus strand (A>T on the coding strand, the complement: CEP290 is on the minus strand). VCF-style: chr12-88053693-T-A. GRCh37 (hg19) VCF-style: chr12-88447470-T-A.
Other names: short protein forms E2363V.
Identifiers: ClinVar variation 3350439 (VCV003350439.1).

ClinVar aggregate classification (germline): Uncertain significance (0 of 4 stars; one submission).

Conditions:
CEP290-related disorder. Also called: CEP290-related condition; CEP290-related disorders. Identifiers: MedGen CN239314.

gnomAD v4.1: 4 of 1,555,552 alleles (0.00026%); highest among the groups gnomAD compares: African/African-American, 0.0054%; no homozygotes.

Submission:

PreventionGenetics, part of Exact Sciences
Classification: Uncertain significance for CEP290-related condition. Last evaluated: 2024-08-23. Review status: no assertion criteria provided. Collection method: clinical testing. Allele origin: germline.
Comment: The CEP290 c.7088A>T variant is predicted to result in the amino acid substitution p.Glu2363Val. To our knowledge, this variant has not been reported in the literature. This variant is reported in 0.034% of alleles in individuals of African descent in gnomAD. Alternative variant at the same codon p.Glu2363Asp has been observed in compound heterozygous state in an individual with retinal dystrophy (Azab et al. 2021. PubMed ID: 33921607). At this time, the clinical significance of the p.Glu2363Val variant is uncertain due to the absence of conclusive functional and genetic evidence.